The following is an entry in ClinVar:

NM_001943.5(DSG2):c.2694T>A (p.Asn898Lys)

Genes: DSG2 (desmoglein 2; plus strand), DSG2-AS1 (DSG2 antisense RNA 1; minus strand). Cytogenetic location: 18q12.1.
Variant type: single nucleotide variant.
Coding change: c.2694T>A on transcript NM_001943.5 (MANE Select); coding-DNA position 2694, T replaced by A.
Protein change: p.Asn898Lys; replaces asparagine 898 with lysine.
Molecular consequence: missense variant.
Genome position (GRCh38, 1-based): chr18:31,546,080, T>A. VCF-style: chr18-31546080-T-A. GRCh37 (hg19) VCF-style: chr18-29126043-T-A.
Other names: c.2694T>A (NM_001943.3); short protein forms N898K.
Identifiers: ClinVar variation 920508 (VCV000920508.6), dbSNP rs1246005488, ClinGen allele CA402146169.
Genomic context (GRCh38, chr18:31,546,080, plus strand): 5'-AGAGAATACCTACTCCTCTGGCAGTAGCTTCCCAGTTCCAAAATCTTTGCAAGAAGCCAA[T>A]GCAGAGAAAGTAACTCAGGAAATAGTCACTGAAAGATCTGTGTCTTCTAGGCAGGCGCAA-3'
Protein context (NP_001934.2, residues 888-908): FPVPKSLQEA[Asn898Lys]AEKVTQEIVT

ClinVar aggregate classification (germline): Uncertain significance. Review status: criteria provided, multiple submitters, no conflicts (2 of 4 stars). 2 submissions from 2 submitters: Uncertain significance (2). Last evaluated 2026-09-11.

Conditions:
Cardiovascular phenotype. Identifiers: MedGen CN230736.
Cardiomyopathy (CMYO). Also called: Cardiomyopathies. Identifiers: Orphanet 167848, MedGen C0878544, MONDO:0004994, HP:0001638. Inheritance: Various modes of inheritance.

Allele frequency attached by ClinVar (database versions not stated): gnomAD exomes 0.00001.
gnomAD v4.1: 2 of 1,614,180 alleles (0.00012%); highest among the groups gnomAD compares: South Asian, 0.0022%; no homozygotes.

Submissions (2):

Ambry Genetics
Classification: Uncertain significance for Cardiovascular phenotype. Last evaluated: 2026-09-11. Review status: criteria provided, single submitter. Criteria: Ambry Variant Classification Scheme 2023. Collection method: clinical testing. Allele origin: germline.
Comment: The p.N898K variant (also known as c.2694T>A), located in coding exon 15 of the DSG2 gene, results from a T to A substitution at nucleotide position 2694. The asparagine at codon 898 is replaced by lysine, an amino acid with similar properties. This amino acid position is conserved. In addition, this alteration is predicted to be tolerated by in silico analysis. Based on the available evidence, the clinical significance of this variant remains unclear.

Color Diagnostics, LLC DBA Color Health
Classification: Uncertain significance for Cardiomyopathy. Last evaluated: 2024-03-06. Review status: criteria provided, single submitter. Criteria: ACMG Guidelines, 2015. Collection method: clinical testing. Allele origin: germline.
Comment: This missense variant replaces asparagine with lysine at codon 898 of the DSG2 protein. Computational prediction suggests that this variant may not impact protein structure and function (internally defined REVEL score threshold <= 0.5, PMID: 27666373). Splice site prediction tools suggest that this variant may not impact RNA splicing. To our knowledge, functional studies have not been performed for this variant. This variant has not been reported in individuals affected with cardiovascular disorders in the literature. This variant has been identified in 3/248986 chromosomes in the general population by the Genome Aggregation Database (gnomAD). The available evidence is insufficient to determine the role of this variant in disease conclusively. Therefore, this variant is classified as a Variant of Uncertain Significance.